The following is an entry in ClinVar:

NM_002480.3(PPP1R12A):c.1504C>T (p.Pro502Ser)

Gene: PPP1R12A (protein phosphatase 1 regulatory subunit 12A; minus strand). Cytogenetic location: 12q21.2.
Variant type: single nucleotide variant.
Coding change: c.1504C>T on transcript NM_002480.3 (MANE Select); coding-DNA position 1504, C replaced by T.
Protein change: p.Pro502Ser; replaces proline 502 with serine.
Molecular consequence: missense variant.
Genome position (GRCh38, 1-based): chr12:79,808,529, G>A on the plus strand (C>T on the coding strand, the complement: PPP1R12A is on the minus strand). VCF-style: chr12-79808529-G-A. GRCh37 (hg19) VCF-style: chr12-80202309-G-A.
Other names: c.1504C>T (NM_002480.2); c.1504C>T, p.Pro502Ser (NM_001143885.2, NM_001244990.2, NM_001244992.1); c.1243C>T, p.Pro415Ser (NM_001143886.2); short protein forms P415S, P502S.
Identifiers: ClinVar variation 2895008 (VCV002895008.12), dbSNP rs746022915, ClinGen allele CA6699658.

ClinVar aggregate classification (germline): Conflicting classifications of pathogenicity. Review status: criteria provided, conflicting classifications (1 of 4 stars). 3 submissions from 3 submitters: Uncertain significance (2); Likely benign (1). Last evaluated 2025-10-02.

Conditions:
Inborn genetic diseases. Identifiers: MedGen C0950123, MeSH D030342.

gnomAD v4.1: 19 of 1,609,246 alleles (0.0012%); highest among the groups gnomAD compares: South Asian, 0.0033%; no homozygotes.

Submissions (3):

Labcorp Genetics (formerly Invitae), Labcorp
Classification: Uncertain significance. Last evaluated: 2025-10-02. Review status: criteria provided, single submitter. Criteria: Invitae Variant Classification Sherloc (09022015). Collection method: clinical testing. Allele origin: germline.
Comment: This sequence change replaces proline, which is neutral and non-polar, with serine, which is neutral and polar, at codon 502 of the PPP1R12A protein (p.Pro502Ser). This variant is present in population databases (rs746022915, gnomAD 0.003%). This variant has not been reported in the literature in individuals affected with PPP1R12A-related conditions. ClinVar contains an entry for this variant (Variation ID: 2895008). An algorithm developed to predict the effect of missense changes on protein structure and function (PolyPhen-2) suggests that this variant is likely to be disruptive. In summary, the available evidence is currently insufficient to determine the role of this variant in disease. Therefore, it has been classified as a Variant of Uncertain Significance.

Ambry Genetics
Classification: Uncertain significance for Inborn genetic diseases. Last evaluated: 2025-07-02. Review status: criteria provided, single submitter. Criteria: Ambry Variant Classification Scheme 2023. Collection method: clinical testing. Allele origin: germline.

CeGaT Center for Human Genetics Tuebingen
Classification: Likely benign. Last evaluated: 2025-07-01. Review status: criteria provided, single submitter. Criteria: CeGaT Center For Human Genetics Tuebingen Variant Classification Criteria Version 2. Collection method: clinical testing. Allele origin: germline. Affected: yes. Observed: 1 variant allele.
Comment: PPP1R12A: BS2